The following is an entry in ClinVar:

NM_030632.3(ASXL3):c.2951A>G (p.Asp984Gly)

Gene: ASXL3 (ASXL transcriptional regulator 3; plus strand). Cytogenetic location: 18q12.1.
Variant type: single nucleotide variant.
Coding change: c.2951A>G on transcript NM_030632.3 (MANE Select); coding-DNA position 2951, A replaced by G.
Protein change: p.Asp984Gly; replaces aspartic acid 984 with glycine.
Molecular consequence: missense variant.
Genome position (GRCh38, 1-based): chr18:33,740,355, A>G. VCF-style: chr18-33740355-A-G. GRCh37 (hg19) VCF-style: chr18-31320319-A-G.
Other names: c.2951A>G (NM_030632.1); short protein forms D984G.
Identifiers: ClinVar variation 2505098 (VCV002505098.4), dbSNP rs900112333, ClinGen allele CA297787924.
Genomic context (GRCh38, chr18:33,740,355, plus strand): 5'-GAAAAACTGCAGAGCAACACAGCTTTGGAATCTGTAAGGAAAAGAGAGCTAGGATAGAAG[A>G]TGATCAGTCAACCCGGAACATATCATCTAGCAGCCCACCTGAGAAAGAACAGCCTCCCAG-3'
Protein context (NP_085135.1, residues 974-994): ICKEKRARIE[Asp984Gly]DQSTRNISSS

ClinVar aggregate classification (germline): Likely benign (1 of 4 stars; one submission).

Conditions:
Bainbridge-Ropers syndrome. Also called: Severe feeding difficulties-failure to thrive-microcephaly due to ASXL3 deficiency syndrome. Identifiers: Orphanet 352577, MedGen C4750837, MONDO:0014205, OMIM 615485.
Inborn genetic diseases. Identifiers: MedGen C0950123, MeSH D030342.

Allele frequency attached by ClinVar (database versions not stated): gnomAD exomes below 0.00001; gnomAD 0.00002; TOPMed 0.00009.
gnomAD v4.1: 4 of 1,611,326 alleles (0.00025%); highest among the groups gnomAD compares: Admixed American, 0.0067%; no homozygotes.

Submission:

Ambry Genetics
Classification: Likely benign for Inborn genetic diseases. Last evaluated: 2023-05-23. Review status: criteria provided, single submitter. Criteria: Ambry Variant Classification Scheme 2023. Collection method: clinical testing. Allele origin: germline.